The following is an entry in ClinVar:

NM_001080517.3(SETD5):c.1539_1542del (p.Arg513_Lys514insTer)

Gene: SETD5 (SET domain containing 5; plus strand). Cytogenetic location: 3p25.3.
Variant type: Deletion.
Coding change: c.1539_1542del on transcript NM_001080517.3 (MANE Select); coding-DNA positions 1539 to 1542, 4 bases deleted (AAAG; older notation c.1539_1542delAAAG).
Protein change: p.Arg513_Lys514insTer.
Molecular consequence: frameshift variant.
Genome position (GRCh38, 1-based): chr3:9,447,064-9,447,067, AAAG deleted; deleting any 4 consecutive bases within chr3:9,447,062-9,447,067 gives the same sequence; the c. name uses the placement nearest the transcript's 3' end. VCF-style (leftmost placement, unchanged base first): chr3-9447061-TAGAA-T. GRCh37 (hg19) VCF-style: chr3-9488745-TAGAA-T.
Other names: c.1245_1248del, p.Arg415_Lys416insTer (NM_001292043.2, NM_001349451.2).
Identifiers: ClinVar variation 3253207 (VCV003253207.1), dbSNP rs2472932712.
Genomic context (GRCh38, chr3:9,447,061, plus strand): 5'-CTCGTCCTCATTTGAAGCTTCCTTCTACACCAGTACTATCTCTTTCTAGACCAGGGAAGA[TAGAA>T]AGGTAGAAGCCATCATGCATGCTTTTGAAAACTTAGAGAAAAGAAAGAAGCGGCGGGATC-3'

ClinVar aggregate classification (germline): Pathogenic (1 of 4 stars; one submission).

Submission:

GeneDx
Classification: Pathogenic. Last evaluated: 2023-12-11. Review status: criteria provided, single submitter. Criteria: GeneDx Variant Classification Process June 2021. Collection method: clinical testing. Allele origin: germline. Affected: yes.
Comment: Nonsense variant predicted to result in protein truncation or nonsense mediated decay in a gene for which loss-of-function is a known mechanism of disease; Not observed at significant frequency in large population cohorts (gnomAD); Has not been previously published as pathogenic or benign to our knowledge